The following is an entry in ClinVar:

NM_005245.4(FAT1):c.4240G>A (p.Ala1414Thr)

Gene: FAT1 (FAT atypical cadherin 1; minus strand). Cytogenetic location: 4q35.2.
Variant type: single nucleotide variant.
Coding change: c.4240G>A on transcript NM_005245.4 (MANE Select); coding-DNA position 4240, G replaced by A.
Protein change: p.Ala1414Thr; replaces alanine 1414 with threonine.
Molecular consequence: missense variant.
Genome position (GRCh38, 1-based): chr4:186,633,767, C>T on the plus strand (G>A on the coding strand, the complement: FAT1 is on the minus strand). VCF-style: chr4-186633767-C-T. GRCh37 (hg19) VCF-style: chr4-187554921-C-T.
Other names: short protein forms A1414T.
Identifiers: ClinVar variation 1936640 (VCV001936640.5), dbSNP rs758534487, ClinGen allele CA3166768.

ClinVar aggregate classification (germline): Uncertain significance (1 of 4 stars; one submission).

Allele frequency attached by ClinVar (database versions not stated): gnomAD exomes below 0.00001; ExAC 0.00001; gnomAD 0.00002; TOPMed 0.00003.
gnomAD v4.1: 6 of 1,613,804 alleles (0.00037%); highest among the groups gnomAD compares: African/African-American, 0.0053%; no homozygotes.

Submission:

Labcorp Genetics (formerly Invitae), Labcorp
Classification: Uncertain significance. Last evaluated: 2022-08-22. Review status: criteria provided, single submitter. Criteria: Invitae Variant Classification Sherloc (09022015). Collection method: clinical testing. Allele origin: germline.
Comment: This sequence change replaces alanine, which is neutral and non-polar, with threonine, which is neutral and polar, at codon 1414 of the FAT1 protein (p.Ala1414Thr). In summary, the available evidence is currently insufficient to determine the role of this variant in disease. Therefore, it has been classified as a Variant of Uncertain Significance. Algorithms developed to predict the effect of missense changes on protein structure and function are either unavailable or do not agree on the potential impact of this missense change (SIFT: "Deleterious"; PolyPhen-2: "Possibly Damaging"; Align-GVGD: "Class C0"). This variant has not been reported in the literature in individuals affected with FAT1-related conditions. This variant is present in population databases (rs758534487, gnomAD 0.008%).